The following is an entry in ClinVar:

NM_144585.4(SLC22A12):c.463G>A (p.Gly155Arg)

Gene: SLC22A12 (solute carrier family 22 member 12; plus strand). Cytogenetic location: 11q13.1.
Variant type: single nucleotide variant.
Coding change: c.463G>A on transcript NM_144585.4 (MANE Select); coding-DNA position 463, G replaced by A.
Protein change: p.Gly155Arg; replaces glycine 155 with arginine.
Molecular consequence: missense variant. On other transcripts: 5 prime UTR variant (1).
Genome position (GRCh38, 1-based): chr11:64,592,839, G>A. VCF-style: chr11-64592839-G-A. GRCh37 (hg19) VCF-style: chr11-64360311-G-A.
Other names: c.463G>A, p.Gly155Arg (NM_001276326.2, NM_001276327.2); c.-46G>A (NM_153378.3); c.463G>A (NM_144585.2); short protein forms G155R.
Identifiers: ClinVar variation 2178929 (VCV002178929.3), dbSNP rs1449109802, ClinGen allele CA381119688.

ClinVar aggregate classification (germline): Uncertain significance. Review status: criteria provided, multiple submitters, no conflicts (2 of 4 stars). 3 submissions from 3 submitters: Uncertain significance (3). Last evaluated 2025-08-27.

Conditions:
Inborn genetic diseases. Identifiers: MedGen C0950123, MeSH D030342.
Dalmatian hypouricemia (RHUC1). Identifiers: MedGen C0473219, MONDO:0020728, OMIM 220150.

Allele frequency attached by ClinVar (database versions not stated): gnomAD 0.00002; TOPMed 0.00002.
gnomAD v4.1: 7 of 1,613,806 alleles (0.00043%); highest among the groups gnomAD compares: Admixed American, 0.005%; no homozygotes.

Submissions (3):

Ambry Genetics
Classification: Uncertain significance for Inborn genetic diseases. Last evaluated: 2025-08-27. Review status: criteria provided, single submitter. Criteria: Ambry Variant Classification Scheme 2023. Collection method: clinical testing. Allele origin: germline.

Fulgent Genetics
Classification: Uncertain significance for Dalmatian hypouricemia. Last evaluated: 2024-04-02. Review status: criteria provided, single submitter. Criteria: ACMG Guidelines, 2015. Collection method: clinical testing. Allele origin: germline.

Labcorp Genetics (formerly Invitae), Labcorp
Classification: Uncertain significance. Last evaluated: 2022-08-03. Review status: criteria provided, single submitter. Criteria: Invitae Variant Classification Sherloc (09022015). Collection method: clinical testing. Allele origin: germline.
Comment: This sequence change replaces glycine, which is neutral and non-polar, with arginine, which is basic and polar, at codon 155 of the SLC22A12 protein (p.Gly155Arg). This variant is not present in population databases (gnomAD no frequency). This variant has not been reported in the literature in individuals affected with SLC22A12-related conditions. Algorithms developed to predict the effect of missense changes on protein structure and function (SIFT, PolyPhen-2, Align-GVGD) all suggest that this variant is likely to be disruptive. In summary, the available evidence is currently insufficient to determine the role of this variant in disease. Therefore, it has been classified as a Variant of Uncertain Significance.